The following is an entry in ClinVar:

ClinVar aggregate classification (germline): Likely benign (1 of 4 stars; one submission).

gnomAD v4.1: 27 of 1,613,514 alleles (0.0017%); highest among the groups gnomAD compares: Admixed American, 0.045%; 1 homozygote.

Submission:

CeGaT Center for Human Genetics Tuebingen
Classification: Likely benign. Last evaluated: 2026-04-01. Review status: criteria provided, single submitter. Criteria: CeGaT Center For Human Genetics Tuebingen Variant Classification Criteria Version 2. Collection method: clinical testing. Allele origin: germline. Affected: yes. Observed: 1 variant allele.
Comment: DST: BP4, BP7

NM_001374736.1(DST):c.423C>T (p.Ser141=)

Genes: DST (dystonin; minus strand), DST-AS1 (DST antisense RNA 1; plus strand). Cytogenetic location: 6p12.1.
Variant type: single nucleotide variant.
Coding change: c.423C>T on transcript NM_001374736.1 (MANE Select); coding-DNA position 423, C replaced by T.
Protein change: p.Ser141=; no amino-acid change (serine 141 retained).
Molecular consequence: synonymous variant.
Genome position (GRCh38, 1-based): chr6:56,851,599, G>A on the plus strand (C>T on the coding strand, the complement: DST is on the minus strand). VCF-style: chr6-56851599-G-A. GRCh37 (hg19) VCF-style: chr6-56716397-G-A.
Other names: c.423C>T, p.Ser141= (NM_001144769.5, NM_001374722.1); c.9C>T, p.Ser3= (NM_001144770.2); c.450C>T, p.Ser150= (NM_001374734.1).
Identifiers: ClinVar variation 4874393 (VCV004874393.2).